The following is an entry in ClinVar:

NM_001184.4(ATR):c.738C>T (p.Ser246=)

Gene: ATR (ATR checkpoint kinase; minus strand). Cytogenetic location: 3q23.
Variant type: single nucleotide variant.
Coding change: c.738C>T on transcript NM_001184.4 (MANE Select); coding-DNA position 738, C replaced by T.
Protein change: p.Ser246=; no amino-acid change (serine 246 retained).
Molecular consequence: synonymous variant.
Genome position (GRCh38, 1-based): chr3:142,562,664, G>A on the plus strand (C>T on the coding strand, the complement: ATR is on the minus strand). VCF-style: chr3-142562664-G-A. GRCh37 (hg19) VCF-style: chr3-142281506-G-A.
Other names: c.738C>T, p.Ser246= (NM_001354579.2).
Identifiers: ClinVar variation 507225 (VCV000507225.1), dbSNP rs755761580, ClinGen allele CA2650730.

ClinVar aggregate classification (germline): Likely benign (1 of 4 stars; one submission).

Allele frequency attached by ClinVar (database versions not stated): gnomAD exomes below 0.00001 and 0.00002; gnomAD 0.00001; ExAC 0.00002.
gnomAD v4.1: 7 of 1,613,876 alleles (0.00043%); highest among the groups gnomAD compares: Admixed American, 0.0033%; no homozygotes.

Submission:

GeneDx
Classification: Likely benign. Last evaluated: 2017-02-08. Review status: criteria provided, single submitter. Criteria: GeneDx Variant Classification (06012015). Collection method: clinical testing. Allele origin: germline. Affected: yes.
Comment: This variant is considered likely benign or benign based on one or more of the following criteria: it is a conservative change, it occurs at a poorly conserved position in the protein, it is predicted to be benign by multiple in silico algorithms, and/or has population frequency not consistent with disease.